The following is an entry in ClinVar:

NM_015175.3(NBEAL2):c.1726C>T (p.Arg576Cys)

Gene: NBEAL2 (neurobeachin like 2; plus strand). Cytogenetic location: 3p21.31.
Variant type: single nucleotide variant.
Coding change: c.1726C>T on transcript NM_015175.3 (MANE Select); coding-DNA position 1726, C replaced by T.
Protein change: p.Arg576Cys; replaces arginine 576 with cysteine.
Molecular consequence: missense variant.
Genome position (GRCh38, 1-based): chr3:46,995,461, C>T. VCF-style: chr3-46995461-C-T. GRCh37 (hg19) VCF-style: chr3-47036951-C-T.
Other names: c.1624C>T, p.Arg542Cys (NM_001365116.2); short protein forms R542C, R576C.
Identifiers: ClinVar variation 4981909 (VCV004981909.1).

ClinVar aggregate classification (germline): Uncertain significance (1 of 4 stars; one submission).

Conditions:
NBEAL2-related disorder. Also called: NBEAL2-related condition.

gnomAD v4.1: 20 of 1,612,762 alleles (0.0012%); highest among the groups gnomAD compares: Admixed American, 0.005%; no homozygotes.

Submission:

PreventionGenetics, part of Exact Sciences
Classification: Uncertain significance for NBEAL2-related condition. Last evaluated: 2025-01-05. Review status: criteria provided, single submitter. Criteria: ACMG Guidelines, 2015. Collection method: clinical testing. Allele origin: germline.
Comment: The NBEAL2 c.1726C>T variant is predicted to result in the amino acid substitution p.Arg576Cys. To our knowledge, this variant has not been reported in the literature. This variant is reported in 0.0085% of alleles in individuals of Latino descent in gnomAD. At this time, the clinical significance of this variant is uncertain due to the absence of conclusive functional and genetic evidence.